The following is an entry in ClinVar:

NM_001256789.3(CACNA1F):c.2780G>C (p.Ser927Thr)

Gene: CACNA1F (calcium voltage-gated channel subunit alpha1 F; minus strand). Cytogenetic location: Xp11.23.
Variant type: single nucleotide variant.
Coding change: c.2780G>C on transcript NM_001256789.3 (MANE Select); coding-DNA position 2780, G replaced by C.
Protein change: p.Ser927Thr; replaces serine 927 with threonine.
Molecular consequence: missense variant.
Genome position (GRCh38, 1-based): chrX:49,218,689, C>G on the plus strand (G>C on the coding strand, the complement: CACNA1F is on the minus strand). VCF-style: chrX-49218689-C-G. GRCh37 (hg19) VCF-style: chrX-49075148-C-G.
Other names: c.2618G>C, p.Ser873Thr (NM_001256790.3); c.2813G>C, p.Ser938Thr (NM_005183.4); short protein forms S873T, S938T, S927T.
Identifiers: ClinVar variation 2715013 (VCV002715013.3), dbSNP rs2065742835, ClinGen allele CA412964898.

ClinVar aggregate classification (germline): Uncertain significance (1 of 4 stars; one submission).

Submission:

Labcorp Genetics (formerly Invitae), Labcorp
Classification: Uncertain significance. Last evaluated: 2023-06-14. Review status: criteria provided, single submitter. Criteria: Invitae Variant Classification Sherloc (09022015). Collection method: clinical testing. Allele origin: germline.
Comment: This sequence change replaces serine, which is neutral and polar, with threonine, which is neutral and polar, at codon 938 of the CACNA1F protein (p.Ser938Thr). This variant is not present in population databases (gnomAD no frequency). This variant has not been reported in the literature in individuals affected with CACNA1F-related conditions. Advanced modeling of protein sequence and biophysical properties (such as structural, functional, and spatial information, amino acid conservation, physicochemical variation, residue mobility, and thermodynamic stability) performed at Invitae indicates that this missense variant is not expected to disrupt CACNA1F protein function. In summary, the available evidence is currently insufficient to determine the role of this variant in disease. Therefore, it has been classified as a Variant of Uncertain Significance.